The following is an entry in ClinVar:

NM_005989.4(AKR1D1):c.93G>A (p.Ser31=)

Gene: AKR1D1 (aldo-keto reductase family 1 member D1; plus strand). Cytogenetic location: 7q33.
Variant type: single nucleotide variant.
Coding change: c.93G>A on transcript NM_005989.4 (MANE Select); coding-DNA position 93, G replaced by A.
Protein change: p.Ser31=; no amino-acid change (serine 31 retained).
Molecular consequence: synonymous variant.
Genome position (GRCh38, 1-based): chr7:138,076,611, G>A. VCF-style: chr7-138076611-G-A. GRCh37 (hg19) VCF-style: chr7-137761357-G-A.
Other names: c.93G>A, p.Ser31= (NM_001190906.2, NM_001190907.2).
Identifiers: ClinVar variation 4982063 (VCV004982063.1).

ClinVar aggregate classification (germline): Likely benign (1 of 4 stars; one submission).

Conditions:
AKR1D1-related disorder. Also called: AKR1D1-related condition.

gnomAD v4.1: 4 of 1,608,658 alleles (0.00025%); highest among the groups gnomAD compares: Admixed American, 0.0033%; no homozygotes.

Submission:

PreventionGenetics, part of Exact Sciences
Classification: Likely benign for AKR1D1-related condition. Last evaluated: 2025-06-30. Review status: criteria provided, single submitter. Criteria: ACMG Guidelines, 2015. Collection method: clinical testing. Allele origin: germline.
Comment: This variant is classified as likely benign based on ACMG/AMP sequence variant interpretation guidelines (Richards et al. 2015 PMID: 25741868, with internal and published modifications).